The following is an entry in ClinVar:

ClinVar aggregate classification (germline): not provided (0 of 4 stars; one submission).

Conditions:
sensorimotor axonal polyneuropathy. Identifiers: MedGen C3806705.

Submission:

ClinVar Staff, National Center for Biotechnology Information (NCBI)
No classification provided. Condition: Sensorimotor axonal polyneuropathy. Review status: no classification provided. Collection method: literature only. Allele origin: de novo. Inheritance: Mitochondrial inheritance. Affected: yes.
Comment: The mutation is present at high levels in muscle tissue but is lost in cultured myoblasts, providing an unusual opportunity to investigate its functional consequences. Our data strongly suggest that the identified mutation is pathogenic and responsible for the CI deficiency and clinical symptoms of the patient."

Literature cited by the submitters: PubMed 33732874.

NC_012920.1(MT-ND3):m.10372A>G

Gene: MT-ND3 (mitochondrially encoded NADH dehydrogenase 3; plus strand).
Variant type: single nucleotide variant.
Genome position: chrM-10372-A-G.
Identifiers: ClinVar variation 3256117 (VCV003256117.2).